The following is an entry in ClinVar:

NM_006059.4(LAMC3):c.2995G>A (p.Asp999Asn)

Gene: LAMC3 (laminin subunit gamma 3; plus strand). Cytogenetic location: 9q34.12.
Variant type: single nucleotide variant.
Coding change: c.2995G>A on transcript NM_006059.4 (MANE Select); coding-DNA position 2995, G replaced by A.
Protein change: p.Asp999Asn; replaces aspartic acid 999 with asparagine.
Molecular consequence: missense variant.
Genome position (GRCh38, 1-based): chr9:131,069,776, G>A. VCF-style: chr9-131069776-G-A. GRCh37 (hg19) VCF-style: chr9-133945163-G-A.
Other names: short protein forms D999N.
Identifiers: ClinVar variation 2803849 (VCV002803849.1), dbSNP rs1427690689, ClinGen allele CA375255622.

ClinVar aggregate classification (germline): Uncertain significance (1 of 4 stars; one submission).

Allele frequency attached by ClinVar (database versions not stated): gnomAD exomes below 0.00001; gnomAD 0.00001.
gnomAD v4.1: 5 of 1,595,488 alleles (0.00031%); highest among the groups gnomAD compares: African/African-American, 0.0027%; no homozygotes.

Submission:

Labcorp Genetics (formerly Invitae), Labcorp
Classification: Uncertain significance. Last evaluated: 2023-01-10. Review status: criteria provided, single submitter. Criteria: Invitae Variant Classification Sherloc (09022015). Collection method: clinical testing. Allele origin: germline.
Comment: In summary, the available evidence is currently insufficient to determine the role of this variant in disease. Therefore, it has been classified as a Variant of Uncertain Significance. Algorithms developed to predict the effect of missense changes on protein structure and function output the following: SIFT: "Tolerated"; PolyPhen-2: "Benign"; Align-GVGD: "Class C0". The asparagine amino acid residue is found in multiple mammalian species, which suggests that this missense change does not adversely affect protein function. This variant has not been reported in the literature in individuals affected with LAMC3-related conditions. This variant is present in population databases (no rsID available, gnomAD 0.005%). This sequence change replaces aspartic acid, which is acidic and polar, with asparagine, which is neutral and polar, at codon 999 of the LAMC3 protein (p.Asp999Asn).